The following is an entry in ClinVar:

NM_014321.4(ORC6):c.413C>T (p.Pro138Leu)

Gene: ORC6 (origin recognition complex subunit 6; plus strand). Cytogenetic location: 16q11.2.
Variant type: single nucleotide variant.
Coding change: c.413C>T on transcript NM_014321.4 (MANE Select); coding-DNA position 413, C replaced by T.
Protein change: p.Pro138Leu; replaces proline 138 with leucine.
Molecular consequence: missense variant. On other transcripts: non-coding transcript variant (1).
Genome position (GRCh38, 1-based): chr16:46,693,146, C>T. VCF-style: chr16-46693146-C-T. GRCh37 (hg19) VCF-style: chr16-46727058-C-T.
Other names: short protein forms P138L.
Identifiers: ClinVar variation 2180535 (VCV002180535.4), dbSNP rs3218745, ClinGen allele CA395819333.

ClinVar aggregate classification (germline): Uncertain significance (1 of 4 stars; one submission).

gnomAD v4.1: 3 of 1,613,142 alleles (0.00019%); highest among the groups gnomAD compares: East Asian, 0.0067%; no homozygotes.

Submission:

Labcorp Genetics (formerly Invitae), Labcorp
Classification: Uncertain significance. Last evaluated: 2021-12-17. Review status: criteria provided, single submitter. Criteria: Invitae Variant Classification Sherloc (09022015). Collection method: clinical testing. Allele origin: germline.
Comment: In summary, the available evidence is currently insufficient to determine the role of this variant in disease. Therefore, it has been classified as a Variant of Uncertain Significance. Algorithms developed to predict the effect of missense changes on protein structure and function (SIFT, PolyPhen-2, Align-GVGD) all suggest that this variant is likely to be disruptive. This variant has not been reported in the literature in individuals affected with ORC6-related conditions. This variant is present in population databases (no rsID available, gnomAD 0.01%). This sequence change replaces proline, which is neutral and non-polar, with leucine, which is neutral and non-polar, at codon 138 of the ORC6 protein (p.Pro138Leu).